The following is an entry in ClinVar:

NC_000007.13:g.(?_145813969)_(145814085_?)del

Gene: CNTNAP2 (contactin associated protein 2; plus strand). Cytogenetic location: 7q35.
Variant type: Deletion.
Identifiers: ClinVar variation 1456383 (VCV001456383.7).

ClinVar aggregate classification (germline): Pathogenic (1 of 4 stars; one submission).

Conditions:
Cortical dysplasia-focal epilepsy syndrome (PTHSL1). Also called: Pitt-Hopkins-like syndrome 1. Identifiers: Orphanet 163681, Orphanet 221150, MedGen C2750246, MONDO:0012400, OMIM 610042.

Submission:

Labcorp Genetics (formerly Invitae), Labcorp
Classification: Pathogenic for Cortical dysplasia-focal epilepsy syndrome. Last evaluated: 2024-01-05. Review status: criteria provided, single submitter. Criteria: Invitae Variant Classification Sherloc (09022015). Collection method: clinical testing. Allele origin: germline.
Comment: This variant is a gross deletion of the genomic region encompassing exon(s) 1 of the CNTNAP2 gene, which includes the initiator codon. This deletion extends beyond the assayed region for this gene and therefore may encompass additional genes. It is expected to result in an absent or disrupted protein product. Loss-of-function variants in CNTNAP2 are known to be pathogenic (PMID: 19896112, 21827697, 25045150, 26843181, 27439707). A similar copy number variant has been observed in individuals with intellectual disability, early onset epilepsy, and behavioral anomalies (PMID: 27439707). For these reasons, this variant has been classified as Pathogenic.

Literature cited by the submitters: PubMed 19896112; PubMed 21827697; PubMed 25045150; PubMed 26843181; PubMed 27439707.